The following is an entry in ClinVar:

NM_001330260.2(SCN8A):c.1814T>C (p.Ile605Thr)

Gene: SCN8A (sodium voltage-gated channel alpha subunit 8; plus strand). Cytogenetic location: 12q13.13.
Variant type: single nucleotide variant.
Coding change: c.1814T>C on transcript NM_001330260.2 (MANE Select); coding-DNA position 1814, T replaced by C.
Protein change: p.Ile605Thr; replaces isoleucine 605 with threonine.
Molecular consequence: missense variant.
Genome position (GRCh38, 1-based): chr12:51,721,724, T>C. VCF-style: chr12-51721724-T-C. GRCh37 (hg19) VCF-style: chr12-52115508-T-C.
Other names: c.1814T>C, p.Ile605Thr (NM_001177984.3, NM_001369788.1, NM_014191.4); short protein forms I605T.
Identifiers: ClinVar variation 1064005 (VCV001064005.10), dbSNP rs960926390, ClinGen allele CA236266941.

ClinVar aggregate classification (germline): Uncertain significance (1 of 4 stars; one submission).

Conditions:
Early-infantile DEE. Also called: Ohtahara syndrome; Early infantile epileptic encephalopathy with suppression bursts; Early infantile epileptic encephalopathy. Identifiers: Orphanet 1934, MedGen C0393706, MONDO:0800491.

Allele frequency attached by ClinVar (database versions not stated): gnomAD exomes below 0.00001; gnomAD 0.00001; TOPMed 0.00001.
gnomAD v4.1: 4 of 1,594,110 alleles (0.00025%); highest among the groups gnomAD compares: African/African-American, 0.0027%; no homozygotes.

Submission:

Labcorp Genetics (formerly Invitae), Labcorp
Classification: Uncertain significance for Early-infantile DEE. Last evaluated: 2023-07-22. Review status: criteria provided, single submitter. Criteria: Invitae Variant Classification Sherloc (09022015). Collection method: clinical testing. Allele origin: germline.
Comment: In summary, the available evidence is currently insufficient to determine the role of this variant in disease. Therefore, it has been classified as a Variant of Uncertain Significance. Advanced modeling of protein sequence and biophysical properties (such as structural, functional, and spatial information, amino acid conservation, physicochemical variation, residue mobility, and thermodynamic stability) performed at Invitae indicates that this missense variant is not expected to disrupt SCN8A protein function. ClinVar contains an entry for this variant (Variation ID: 1064005). This variant has not been reported in the literature in individuals affected with SCN8A-related conditions. This variant is not present in population databases (gnomAD no frequency). This sequence change replaces isoleucine, which is neutral and non-polar, with threonine, which is neutral and polar, at codon 605 of the SCN8A protein (p.Ile605Thr).